The following is an entry in ClinVar:

ClinVar aggregate classification (germline): Benign/Likely benign. Review status: criteria provided, multiple submitters, no conflicts (2 of 4 stars). 2 submissions from 2 submitters: Benign (1); Likely benign (1). Last evaluated 2026-09-01.

Allele frequency attached by ClinVar (database versions not stated): gnomAD exomes 0.00011 and 0.00028; ExAC 0.00037; ESP Exome Variant Server 0.00092; 1000 Genomes Project 30x 0.00094; gnomAD 0.00119 and 0.00123; 1000 Genomes Project 0.00120; TOPMed 0.00123.
gnomAD v4.1: 346 of 1,613,638 alleles (0.021%); highest among the groups gnomAD compares: African/African-American, 0.4%; 1 homozygote.

Submissions (2):

CeGaT Center for Human Genetics Tuebingen
Classification: Likely benign. Last evaluated: 2026-09-01. Review status: criteria provided, single submitter. Criteria: CeGaT Center For Human Genetics Tuebingen Variant Classification Criteria Version 2. Collection method: clinical testing. Allele origin: germline. Affected: yes. Observed: 1 variant allele.
Comment: CHD5: BP4, BP7, BS1

Labcorp Genetics (formerly Invitae), Labcorp
Classification: Benign. Last evaluated: 2019-12-31. Review status: criteria provided, single submitter. Criteria: Invitae Variant Classification Sherloc (09022015). Collection method: clinical testing. Allele origin: germline.

NM_015557.3(CHD5):c.864C>T (p.Gly288=)

Gene: CHD5 (chromodomain helicase DNA binding protein 5; minus strand). Cytogenetic location: 1p36.31.
Variant type: single nucleotide variant.
Coding change: c.864C>T on transcript NM_015557.3 (MANE Select); coding-DNA position 864, C replaced by T.
Protein change: p.Gly288=; no amino-acid change (glycine 288 retained).
Molecular consequence: synonymous variant.
Genome position (GRCh38, 1-based): chr1:6,152,418, G>A on the plus strand (C>T on the coding strand, the complement: CHD5 is on the minus strand). VCF-style: chr1-6152418-G-A. GRCh37 (hg19) VCF-style: chr1-6212478-G-A.
Identifiers: ClinVar variation 724313 (VCV000724313.5), dbSNP rs112316734, ClinGen allele CA557243.